The following is an entry in ClinVar:

ClinVar aggregate classification (germline): Likely pathogenic (1 of 4 stars; one submission).

Conditions:
Neurofibromatosis, type 1 (NF1). Also called: VON RECKLINGHAUSEN DISEASE; Peripheral type neurofibromatosis; NEUROFIBROMATOSIS, TYPE I, SOMATIC; Neurofibromatosis, type I. Identifiers: Orphanet 636, MedGen C0027831, MONDO:0018975, OMIM 162200. Disease mechanism: loss of function.

Submission:

Labcorp Genetics (formerly Invitae), Labcorp
Classification: Likely pathogenic for Neurofibromatosis, type 1. Last evaluated: 2024-01-31. Review status: criteria provided, single submitter. Criteria: Invitae Variant Classification Sherloc (09022015). Collection method: clinical testing. Allele origin: germline.
Comment: This variant results in the deletion of part of exon 49 (c.7259-2_7261del) of the NF1 gene. It is expected to disrupt RNA splicing. Variants that disrupt the donor or acceptor splice site typically lead to a loss of protein function (PMID: 16199547), and loss-of-function variants in NF1 are known to be pathogenic (PMID: 10712197, 23913538). This variant is not present in population databases (gnomAD no frequency). This variant has not been reported in the literature in individuals affected with NF1-related conditions. In summary, the currently available evidence indicates that the variant is pathogenic, but additional data are needed to prove that conclusively. Therefore, this variant has been classified as Likely Pathogenic.

Literature cited by the submitters: PubMed 16199547; PubMed 10712197; PubMed 23913538.

NM_001042492.3(NF1):c.7322-2_7324del

Gene: NF1 (neurofibromin 1; plus strand). Cytogenetic location: 17q11.2.
Variant type: Deletion.
Coding change: c.7322-2_7324del on transcript NM_001042492.3 (MANE Select); the canonical splice acceptor site of the intron before coding-DNA position 7322 through coding-DNA position 7324, 5 bases deleted (AGCTT; older notation c.7322-2_7324delAGCTT).
Molecular consequence: splice acceptor variant.
Genome position (GRCh38, 1-based): chr17:31,350,181-31,350,185, AGCTT deleted; deleting any 5 consecutive bases within chr17:31,350,179-31,350,185 gives the same sequence; the c. name uses the placement nearest the transcript's 3' end. VCF-style (leftmost placement, unchanged base first): chr17-31350178-TTTAGC-T. GRCh37 (hg19) VCF-style: chr17-29677196-TTTAGC-T.
Other names: c.7259-2_7261del (NM_000267.4).
Identifiers: ClinVar variation 3637944 (VCV003637944.2).